The following is an entry in ClinVar:

NM_000521.4(HEXB):c.341_343del (p.Glu114_Pro115delinsAla)

Gene: HEXB (hexosaminidase subunit beta; plus strand). Cytogenetic location: 5q13.3.
Variant type: Deletion.
Coding change: c.341_343del on transcript NM_000521.4 (MANE Select); coding-DNA positions 341 to 343, 3 bases deleted (AAC; older notation c.341_343delAAC).
Protein change: p.Glu114_Pro115delinsAla.
Molecular consequence: inframe indel. On other transcripts: 5 prime UTR variant (1).
Genome position (GRCh38, 1-based): chr5:74,689,369-74,689,371, AAC deleted. VCF-style (leftmost placement, unchanged base first): chr5-74689368-GAAC-G. GRCh37 (hg19) VCF-style: chr5-73985193-GAAC-G.
Other names: c.-335_-333del (NM_001292004.2); c.341_343delAAC (NM_000521.4).
Identifiers: ClinVar variation 550370 (VCV000550370.3), dbSNP rs768218036, ClinGen allele CA3305806.

ClinVar aggregate classification (germline): Uncertain significance. Review status: criteria provided, single submitter (1 of 4 stars). 2 submissions from 2 submitters: Uncertain significance (1). 1 of the submissions does not count toward it. Last evaluated 2026-02-18.

Conditions:
Sandhoff disease. Also called: GM2-GANGLIOSIDOSIS, TYPE II; HEXOSAMINIDASES A AND B DEFICIENCY; Beta-hexosaminidase-beta-subunit deficiency; GM2 gangliosidosis, type 2; Total hexosaminidase deficiency; Sandhoff-Jatzkewitz-Pilz disease. Identifiers: Orphanet 796, MedGen C0036161, MONDO:0010006, OMIM 268800.

Allele frequency attached by ClinVar (database versions not stated): gnomAD 0.00001; gnomAD exomes 0.00001 and 0.00003; TOPMed 0.00002; ExAC 0.00005.

Submissions (2):

Women's Health and Genetics/Laboratory Corporation of America, LabCorp
Classification: Uncertain significance. Last evaluated: 2026-02-18. Review status: criteria provided, single submitter. Criteria: LabCorp Variant Classification Summary - May 2015. Collection method: clinical testing. Allele origin: germline.
Comment: Variant summary: HEXB c.341_343delAAC (p.Glu114_Pro115delinsAla) results in an in-frame deletion-insertion that is predicted to delete two amino acids from the protein and insert one amino acid. The variant allele was found at a frequency of 3.2e-05 in 251418 control chromosomes. The available data on variant occurrences in the general population are insufficient to allow any conclusion about variant significance. To our knowledge, no occurrence of c.341_343delAAC in individuals affected with HEXB-related conditions and no experimental evidence demonstrating its impact on protein function have been reported. ClinVar contains an entry for this variant (Variation ID: 550370). Based on the evidence outlined above, the variant was classified as uncertain significance.

Counsyl
Classification: Uncertain significance for Sandhoff disease. Last evaluated: 2017-01-13. Review status: no assertion criteria provided. Collection method: clinical testing. Allele origin: unknown. Not counted in ClinVar's aggregate classification.